The following is an entry in ClinVar:

ClinVar aggregate classification (germline): Uncertain significance (1 of 4 stars; one submission).

Conditions:
Schneckenbecken dysplasia. Identifiers: Orphanet 3144, MedGen C0432194, MONDO:0010013, OMIM 269250.

Allele frequency attached by ClinVar (database versions not stated): gnomAD exomes below 0.00001; ExAC 0.00004; gnomAD 0.00005; TOPMed 0.00006.
gnomAD v4.1: 9 of 1,407,390 alleles (0.00064%); highest among the groups gnomAD compares: African/African-American, 0.011%; no homozygotes.

Submission:

Labcorp Genetics (formerly Invitae), Labcorp
Classification: Uncertain significance for Schneckenbecken dysplasia. Last evaluated: 2022-08-22. Review status: criteria provided, single submitter. Criteria: Invitae Variant Classification Sherloc (09022015). Collection method: clinical testing. Allele origin: germline.
Comment: In summary, the available evidence is currently insufficient to determine the role of this variant in disease. Therefore, it has been classified as a Variant of Uncertain Significance. Algorithms developed to predict the effect of missense changes on protein structure and function (SIFT, PolyPhen-2, Align-GVGD) all suggest that this variant is likely to be disruptive. This variant has not been reported in the literature in individuals affected with SLC35D1-related conditions. This variant is present in population databases (rs779873232, gnomAD 0.02%). This sequence change replaces tyrosine, which is neutral and polar, with histidine, which is basic and polar, at codon 298 of the SLC35D1 protein (p.Tyr298His).

NM_015139.3(SLC35D1):c.892T>C (p.Tyr298His)

Gene: SLC35D1 (solute carrier family 35 member D1; minus strand). Cytogenetic location: 1p31.3.
Variant type: single nucleotide variant.
Coding change: c.892T>C on transcript NM_015139.3 (MANE Select); coding-DNA position 892, T replaced by C.
Protein change: p.Tyr298His; replaces tyrosine 298 with histidine.
Molecular consequence: missense variant.
Genome position (GRCh38, 1-based): chr1:67,009,152, A>G on the plus strand (T>C on the coding strand, the complement: SLC35D1 is on the minus strand). VCF-style: chr1-67009152-A-G. GRCh37 (hg19) VCF-style: chr1-67474835-A-G.
Other names: short protein forms Y298H.
Identifiers: ClinVar variation 2189374 (VCV002189374.4), dbSNP rs779873232, ClinGen allele CA898840.
Genomic context (GRCh38, chr1:67,009,152, plus strand): 5'-TTAAACCAATGAAGTTTGTCCACGTGAAAATATAATCTCCACCAAAGACCATTCCAATAT[A>G]AGTTATTAATATATTCTAAAAATAAAAATAGTAATATACTGTTATATAGGTTTAACTGAG-3'
Protein context (NP_055954.1, residues 288-308): VGCIKNILIT[Tyr298His]IGMVFGGDYI